The following is an entry in ClinVar:

NM_172107.4(KCNQ2):c.1696G>A (p.Asp566Asn)

Gene: KCNQ2 (potassium voltage-gated channel subfamily Q member 2; minus strand). Cytogenetic location: 20q13.33.
Variant type: single nucleotide variant.
Coding change: c.1696G>A on transcript NM_172107.4 (MANE Select); coding-DNA position 1696, G replaced by A.
Protein change: p.Asp566Asn; replaces aspartic acid 566 with asparagine.
Molecular consequence: missense variant.
Genome position (GRCh38, 1-based): chr20:63,413,517, C>T on the plus strand (G>A on the coding strand, the complement: KCNQ2 is on the minus strand). VCF-style: chr20-63413517-C-T. GRCh37 (hg19) VCF-style: chr20-62044870-C-T.
Other names: c.1642G>A, p.Asp548Asn (NM_001382235.1, NM_172106.3); c.1612G>A, p.Asp538Asn (NM_004518.6); c.1603G>A, p.Asp535Asn (NM_172108.5); short protein forms D538N, D548N, D566N, D535N.
Identifiers: ClinVar variation 3720584 (VCV003720584.2).

ClinVar aggregate classification (germline): Pathogenic (1 of 4 stars; one submission).

Conditions:
Early-infantile DEE. Also called: Ohtahara syndrome; Early infantile epileptic encephalopathy with suppression bursts; Early infantile epileptic encephalopathy. Identifiers: Orphanet 1934, MedGen C0393706, MONDO:0800491.

Submission:

Labcorp Genetics (formerly Invitae), Labcorp
Classification: Pathogenic for Early-infantile DEE. Last evaluated: 2025-09-29. Review status: criteria provided, single submitter. Criteria: Invitae Variant Classification Sherloc (09022015). Collection method: clinical testing. Allele origin: germline.
Comment: This sequence change replaces aspartic acid, which is acidic and polar, with asparagine, which is neutral and polar, at codon 566 of the KCNQ2 protein (p.Asp566Asn). This variant is not present in population databases (gnomAD no frequency). This missense change has been observed in individual(s) with clinical features of KCNQ2-related conditions (internal data). In at least one individual the variant was observed to be de novo. ClinVar contains an entry for this variant (Variation ID: 3720584). Invitae Evidence Modeling of protein sequence and biophysical properties (such as structural, functional, and spatial information, amino acid conservation, physicochemical variation, residue mobility, and thermodynamic stability) indicates that this missense variant is expected to disrupt KCNQ2 protein function with a positive predictive value of 95%. This variant disrupts the p.Asp566 amino acid residue in KCNQ2. Other variant(s) that disrupt this residue have been observed in individuals with KCNQ2-related conditions (PMID: 33659638; internal data), which suggests that this may be a clinically significant amino acid residue. For these reasons, this variant has been classified as Pathogenic.

Literature cited by the submitters: PubMed 33659638.